The following is an entry in ClinVar:

NM_006031.6(PCNT):c.8340G>A (p.Val2780=)

Gene: PCNT (pericentrin; plus strand). Cytogenetic location: 21q22.3.
Variant type: single nucleotide variant.
Coding change: c.8340G>A on transcript NM_006031.6 (MANE Select); coding-DNA position 8340, G replaced by A.
Protein change: p.Val2780=; no amino-acid change (valine 2780 retained).
Molecular consequence: synonymous variant.
Genome position (GRCh38, 1-based): chr21:46,431,804, G>A. VCF-style: chr21-46431804-G-A. GRCh37 (hg19) VCF-style: chr21-47851718-G-A.
Other names: c.7986G>A, p.Val2662= (NM_001315529.2).
Identifiers: ClinVar variation 3352910 (VCV003352910.1).

ClinVar aggregate classification (germline): Likely benign (0 of 4 stars; one submission).

Conditions:
PCNT-related disorder. Also called: PCNT-related condition.

Submission:

PreventionGenetics, part of Exact Sciences
Classification: Likely benign for PCNT-related condition. Last evaluated: 2023-12-07. Review status: no assertion criteria provided. Collection method: clinical testing. Allele origin: germline.
Comment: This variant is classified as likely benign based on ACMG/AMP sequence variant interpretation guidelines (Richards et al. 2015 PMID: 25741868, with internal and published modifications).